The following is an entry in ClinVar:

NM_002485.5(NBN):c.-26G>A

Gene: NBN (nibrin; minus strand). Cytogenetic location: 8q21.3.
Variant type: single nucleotide variant.
Coding change: c.-26G>A on transcript NM_002485.5 (MANE Select); 26 bases upstream of the start codon, G replaced by A.
Molecular consequence: 5 prime UTR variant.
Genome position (GRCh38, 1-based): chr8:89,984,587, C>T on the plus strand (G>A on the coding strand, the complement: NBN is on the minus strand). VCF-style: chr8-89984587-C-T. GRCh37 (hg19) VCF-style: chr8-90996815-C-T.
Other names: c.-322G>A (NM_001024688.3).
Identifiers: ClinVar variation 182712 (VCV000182712.10), dbSNP rs201392451, ClinGen allele CA299592.

ClinVar aggregate classification (germline): Conflicting classifications of pathogenicity. Review status: criteria provided, conflicting classifications (1 of 4 stars). 5 submissions from 5 submitters: Uncertain significance (1); Benign (1); Likely benign (3). Last evaluated 2023-12-12.

Conditions:
Hereditary cancer-predisposing syndrome. Also called: Tumor predisposition; Hereditary Cancer Syndrome; Hereditary neoplastic syndrome; Neoplastic Syndromes, Hereditary. Identifiers: Orphanet 140162, MedGen C0027672, MeSH D009386, MONDO:0015356.
Microcephaly, normal intelligence and immunodeficiency (NBS). Also called: IMMUNODEFICIENCY, MICROCEPHALY, AND CHROMOSOMAL INSTABILITY; SEEMANOVA SYNDROME II; Nijmegen breakage syndrome; Microcephaly with normal intelligence immunodeficiency and lymphoreticular malignancies; Nonsyndromal microcephaly autosomal recessive with normal intelligence; Seemanova syndrome 2. Identifiers: Orphanet 647, MedGen C0398791, MONDO:0009623, OMIM 251260.

Allele frequency attached by ClinVar (database versions not stated): ExAC 0.00004; gnomAD exomes 0.00005; 1000 Genomes Project 0.00040; gnomAD 0.00042 and 0.00045; 1000 Genomes Project 30x 0.00047; TOPMed 0.00110.
gnomAD v4.1: 137 of 1,612,106 alleles (0.0085%); highest among the groups gnomAD compares: Admixed American, 0.17%; no homozygotes.

Submissions (5):

Institute for Biomarker Research, Medical Diagnostic Laboratories, L.L.C.
Classification: Likely benign for Hereditary cancer-predisposing syndrome. Last evaluated: 2023-12-12. Review status: criteria provided, single submitter. Criteria: ACMG Guidelines, 2015. Collection method: clinical testing. Allele origin: germline.

Genome-Nilou Lab
Classification: Likely benign for Microcephaly, normal intelligence and immunodeficiency. Last evaluated: 2021-11-07. Review status: criteria provided, single submitter. Criteria: ACMG Guidelines, 2015. Collection method: clinical testing. Allele origin: germline. Affected: no.

Mendelics
Classification: Likely benign for Microcephaly, normal intelligence and immunodeficiency. Last evaluated: 2019-05-28. Review status: criteria provided, single submitter. Criteria: Mendelics Assertion Criteria 2017. Collection method: clinical testing. Allele origin: unknown.

Illumina Laboratory Services, Illumina
Classification: Uncertain significance for Microcephaly, normal intelligence and immunodeficiency. Last evaluated: 2018-01-13. Review status: criteria provided, single submitter. Criteria: ICSL Variant Classification Criteria 13 December 2019. Collection method: clinical testing. Allele origin: germline.

GeneDx
Classification: Benign. Last evaluated: 2014-09-22. Review status: criteria provided, single submitter. Criteria: GeneDx Variant Classification (06012015). Collection method: clinical testing. Allele origin: germline. Affected: yes.
Comment: This variant is considered likely benign or benign based on one or more of the following criteria: it is a conservative change, it occurs at a poorly conserved position in the protein, it is predicted to be benign by multiple in silico algorithms, and/or has population frequency not consistent with disease.